The following is an entry in ClinVar:

NM_001267550.2(TTN):c.101233A>G (p.Thr33745Ala)

Genes: TTN (titin; minus strand), TTN-AS1 (TTN antisense RNA 1; plus strand). Cytogenetic location: 2q31.2.
Variant type: single nucleotide variant.
Coding change: c.101233A>G on transcript NM_001267550.2 (MANE Select); coding-DNA position 101233, A replaced by G.
Protein change: p.Thr33745Ala; replaces threonine 33745 with alanine.
Molecular consequence: missense variant.
Genome position (GRCh38, 1-based): chr2:178,535,382, T>C on the plus strand (A>G on the coding strand, the complement: TTN is on the minus strand). VCF-style: chr2-178535382-T-C. GRCh37 (hg19) VCF-style: chr2-179400109-T-C.
Other names: c.96310A>G, p.Thr32104Ala (NM_001256850.1); c.74038A>G, p.Thr24680Ala (NM_003319.4); c.93529A>G, p.Thr31177Ala (NM_133378.4); c.74413A>G, p.Thr24805Ala (NM_133432.3); c.74614A>G, p.Thr24872Ala (NM_133437.4); short protein forms T24805A, T24872A, T33745A, T31177A, T32104A, T24680A.
Identifiers: ClinVar variation 2033604 (VCV002033604.4), dbSNP rs1690964903, ClinGen allele CA349421196.
Genomic context (GRCh38, chr2:178,535,382, plus strand): 5'-CAGCTATTACCCGGAACTGGTAACTTGTTTTTCCAAATAAGTTGATCACGGTATAACGTG[T>C]TTCTCGGGCCTGTCCTACACGGAGCCATCTTTCTGCAGTAGTTGCACATTTTTCAACAAT-3'
Protein context (NP_001254479.2, residues 33735-33755): RWLRVGQARE[Thr33745Ala]RYTVINLFGK

ClinVar aggregate classification (germline): Uncertain significance (1 of 4 stars; one submission).

Conditions:
Dilated cardiomyopathy 1G (CMD1G). Identifiers: Orphanet 154, MedGen C1858763, MONDO:0011400, OMIM 604145.
Autosomal recessive limb-girdle muscular dystrophy type 2J (LGMDR10). Also called: Limb-girdle muscular dystrophy, type 2J; MUSCULAR DYSTROPHY, LIMB-GIRDLE, AUTOSOMAL RECESSIVE 10. Identifiers: Orphanet 140922, MedGen C1837342, MONDO:0012127, OMIM 608807.

Submission:

Labcorp Genetics (formerly Invitae), Labcorp
Classification: Uncertain significance for Dilated cardiomyopathy 1G; Autosomal recessive limb-girdle muscular dystrophy type 2J. Last evaluated: 2022-10-01. Review status: criteria provided, single submitter. Criteria: Invitae Variant Classification Sherloc (09022015). Collection method: clinical testing. Allele origin: germline.
Comment: This variant is not present in population databases (gnomAD no frequency). This variant is located in the M band of TTN (PMID: 25589632). Variants in this region may be relevant for neuromuscular disorders, but have not been definitively shown to cause cardiomyopathy (PMID: 23975875). In summary, the available evidence is currently insufficient to determine the role of this variant in disease. Therefore, it has been classified as a Variant of Uncertain Significance. Experimental studies and prediction algorithms are not available or were not evaluated, and the functional significance of this variant is currently unknown. This variant has not been reported in the literature in individuals affected with TTN-related conditions. This sequence change replaces threonine, which is neutral and polar, with alanine, which is neutral and non-polar, at codon 33745 of the TTN protein (p.Thr33745Ala).

Literature cited by the submitters: PubMed 25589632; PubMed 23975875.